The following is an entry in ClinVar:

ClinVar aggregate classification (germline): Pathogenic/Likely pathogenic. Review status: criteria provided, multiple submitters, no conflicts (2 of 4 stars). 3 submissions from 3 submitters: Pathogenic (2); Likely pathogenic (1). Last evaluated 2025-07-22.

Conditions:
Fanconi anemia complementation group L (FANCL). Also called: FANCL-Related Fanconi Anemia. Identifiers: Orphanet 84, MedGen C3469528, MONDO:0013566, OMIM 614083.
Fanconi anemia (FA). Also called: Fanconi's anemia. Identifiers: Orphanet 84, MedGen C0015625, MeSH D005199, MONDO:0019391.

Allele frequency attached by ClinVar (database versions not stated): gnomAD exomes below 0.00001; TOPMed below 0.00001.

Submissions (3):

Labcorp Genetics (formerly Invitae), Labcorp
Classification: Pathogenic for Fanconi anemia. Last evaluated: 2025-07-22. Review status: criteria provided, single submitter. Criteria: Invitae Variant Classification Sherloc (09022015). Collection method: clinical testing. Allele origin: germline.
Comment: This sequence change creates a premature translational stop signal (p.Tyr311*) in the FANCL gene. It is expected to result in an absent or disrupted protein product. Loss-of-function variants in FANCL are known to be pathogenic (PMID: 19405097, 23613520). This variant is not present in population databases (gnomAD no frequency). This premature translational stop signal has been observed in individual(s) with colorectal cancer (PMID: 29478780). ClinVar contains an entry for this variant (Variation ID: 336654). For these reasons, this variant has been classified as Pathogenic.

CeGaT Center for Human Genetics Tuebingen
Classification: Pathogenic. Last evaluated: 2024-08-01. Review status: criteria provided, single submitter. Criteria: CeGaT Center For Human Genetics Tuebingen Variant Classification Criteria Version 2. Collection method: clinical testing. Allele origin: germline. Affected: yes. Observed: 1 variant allele.
Comment: FANCL: PVS1, PM2

Baylor Genetics
Classification: Likely pathogenic for Fanconi anemia complementation group L. Last evaluated: 2023-09-11. Review status: criteria provided, single submitter. Criteria: ACMG Guidelines, 2015. Collection method: clinical testing. Allele origin: unknown.

Literature cited by the submitters: PubMed 19405097 (cited by Labcorp Genetics (formerly Invitae), Labcorp); PubMed 23613520 (cited by Labcorp Genetics (formerly Invitae), Labcorp); PubMed 29478780 (cited by Labcorp Genetics (formerly Invitae), Labcorp).

NM_018062.4(FANCL):c.932dup (p.Tyr311Ter)

Gene: FANCL (FA complementation group L; minus strand). Cytogenetic location: 2p16.1.
Variant type: Duplication.
Coding change: c.932dup on transcript NM_018062.4 (MANE Select); coding-DNA position 932, one base duplicated (A; older notation c.932dupA).
Protein change: p.Tyr311Ter; replaces tyrosine 311 with a stop codon.
Molecular consequence: nonsense. On other transcripts: frameshift variant (1).
Genome position (GRCh38, 1-based): chr2:58,161,610, T duplicated on the plus strand (A on the coding strand, the reverse complement: FANCL is on the minus strand). VCF-style (leftmost placement, unchanged base first): chr2-58161609-A-AT. GRCh37 (hg19) VCF-style: chr2-58388744-A-AT.
Other names: c.947dupA (NM_001114636.1); c.947dup, p.Tyr316Terfs (NM_001114636.2); c.977dup, p.Tyr326Ter (NM_001374615.1); c.992dup, p.Tyr331Ter (NM_001410792.1); short protein forms Y316*, Y311*, Y326*, Y331*.
Identifiers: ClinVar variation 336654 (VCV000336654.26), dbSNP rs529201454, ClinGen allele CA10614192.
Genomic context (GRCh38, chr2:58,161,609, plus strand): 5'-TTGTCCACACTGAGAATTATCACACACTTGATCAGGAATGGTACCGTCAAGTTGATAAGC[A>AT]TAACAAATTCCACAATCCATAGTAAAATCCTTCAAAAGAAAAATATTTATAAAAAGCGTA-3'